The following is an entry in ClinVar:

ClinVar aggregate classification (germline): Benign/Likely benign. Review status: criteria provided, multiple submitters, no conflicts (2 of 4 stars). 5 submissions from 5 submitters: Benign (3); Likely benign (2). Last evaluated 2025-12-17.

Conditions:
Tuberous sclerosis 2 (TSC2). Identifiers: Orphanet 805, MedGen C1860707, MONDO:0013199, OMIM 613254.
Hereditary cancer-predisposing syndrome. Also called: Tumor predisposition; Hereditary Cancer Syndrome; Neoplastic Syndromes, Hereditary; Hereditary neoplastic syndrome. Identifiers: Orphanet 140162, MedGen C0027672, MeSH D009386, MONDO:0015356.

Allele frequency attached by ClinVar (database versions not stated): gnomAD 0.00001; ESP Exome Variant Server 0.00008.
gnomAD v4.1: 10 of 1,612,958 alleles (0.00062%); highest among the groups gnomAD compares: Middle Eastern, 0.033%; no homozygotes.

Submissions (5):

Labcorp Genetics (formerly Invitae), Labcorp
Classification: Likely benign for Tuberous sclerosis 2. Last evaluated: 2025-12-17. Review status: criteria provided, single submitter. Criteria: Invitae Variant Classification Sherloc (09022015). Collection method: clinical testing. Allele origin: germline.

Myriad Genetics, Inc.
Classification: Benign for Tuberous sclerosis 2. Last evaluated: 2025-06-06. Review status: criteria provided, single submitter. Criteria: Myriad Autosomal Dominant, Autosomal Recessive and X-Linked Classification Criteria (2023). Collection method: clinical testing. Allele origin: unknown.
Comment: This variant is considered benign. This variant is a silent/synonymous amino acid change and it is not expected to impact splicing.

Genome-Nilou Lab
Classification: Benign for Tuberous sclerosis 2. Last evaluated: 2021-11-07. Review status: criteria provided, single submitter. Criteria: ACMG Guidelines, 2015. Collection method: clinical testing. Allele origin: germline. Affected: no.

Ambry Genetics
Classification: Likely benign for Hereditary cancer-predisposing syndrome. Last evaluated: 2018-12-27. Review status: criteria provided, single submitter. Criteria: Ambry Variant Classification Scheme 2023. Collection method: clinical testing. Allele origin: germline.

GeneDx
Classification: Benign. Last evaluated: 2015-03-03. Review status: criteria provided, single submitter. Criteria: GeneDx Variant Classification Process June 2021. Collection method: clinical testing. Allele origin: germline. Affected: yes.

NM_000548.5(TSC2):c.5211C>A (p.Pro1737=)

Gene: TSC2 (TSC complex subunit 2; plus strand). Cytogenetic location: 16p13.3.
Variant type: single nucleotide variant.
Coding change: c.5211C>A on transcript NM_000548.5 (MANE Select); coding-DNA position 5211, C replaced by A.
Protein change: p.Pro1737=; no amino-acid change (proline 1737 retained).
Molecular consequence: synonymous variant.
Genome position (GRCh38, 1-based): chr16:2,088,277, C>A. VCF-style: chr16-2088277-C-A. GRCh37 (hg19) VCF-style: chr16-2138278-C-A.
Other names: c.5010C>A, p.Pro1670= (NM_001077183.3); c.5142C>A, p.Pro1714= (NM_001114382.3); c.4902C>A, p.Pro1634= (NM_001318827.2); c.4866C>A, p.Pro1622= (NM_001318829.2); c.4479C>A, p.Pro1493= (NM_001318831.2); c.5043C>A, p.Pro1681= (NM_001318832.2); c.5013C>A, p.Pro1671= (NM_001363528.2); c.5079C>A, p.Pro1693= (NM_001370404.1); and 2 more.
Identifiers: ClinVar variation 757071 (VCV000757071.17), dbSNP rs151298910, ClinGen allele CA054458.
Genomic context (GRCh38, chr16:2,088,277, plus strand): 5'-ACGTCCCCAGATGGCCTCACAGGTGCATCATAGCCGCTCCAACCCCACCGATATCTACCC[C>A]TCCAAGTGGATTGCCCGGCTCCGCCACATCAAGCGGCTCCGCCAGCGGGTAGGGAATATG-3'
Protein context (NP_000539.2, residues 1727-1747): HSRSNPTDIY[Pro1737=]SKWIARLRHI